The following is an entry in ClinVar:

ClinVar aggregate classification (germline): Uncertain significance (1 of 4 stars; one submission).

Conditions:
Fetal akinesia deformation sequence 1 (FADS1). Also called: Fetal akinesia sequence; Pena-Shokeir syndrome type I. Identifiers: Orphanet 994, MedGen C1276035, MONDO:0100101, OMIM 208150, HP:0001989.
Congenital myasthenic syndrome 11. Also called: MYASTHENIC SYNDROME, CONGENITAL, Ie; Myasthenic syndrome, congenital, 11, associated with acetylcholine receptor deficiency. Identifiers: Orphanet 590, MedGen C4225367, MONDO:0014588, OMIM 616326.

Allele frequency attached by ClinVar (database versions not stated): ExAC 0.00001.
gnomAD v4.1: 1 of 1,613,568 alleles (0.000062%); highest among the groups gnomAD compares: Non-Finnish European, 0.000085%; no homozygotes.

Submission:

Labcorp Genetics (formerly Invitae), Labcorp
Classification: Uncertain significance for Congenital myasthenic syndrome 11; Fetal akinesia deformation sequence 1. Last evaluated: 2022-08-23. Review status: criteria provided, single submitter. Criteria: Invitae Variant Classification Sherloc (09022015). Collection method: clinical testing. Allele origin: germline.
Comment: In summary, the available evidence is currently insufficient to determine the role of this variant in disease. Therefore, it has been classified as a Variant of Uncertain Significance. Algorithms developed to predict the effect of missense changes on protein structure and function are either unavailable or do not agree on the potential impact of this missense change (SIFT: "Deleterious"; PolyPhen-2: "Probably Damaging"; Align-GVGD: "Class C0"). This missense change has been observed in individual(s) with clinical features of congenital myasthenic syndrome (Invitae). In at least one individual the data is consistent with being in trans (on the opposite chromosome) from a pathogenic variant. This variant is present in population databases (rs759579462, gnomAD 0.0009%). This sequence change replaces glycine, which is neutral and non-polar, with aspartic acid, which is acidic and polar, at codon 135 of the RAPSN protein (p.Gly135Asp).

NM_005055.5(RAPSN):c.404G>A (p.Gly135Asp)

Gene: RAPSN (receptor associated protein of the synapse; minus strand). Cytogenetic location: 11p11.2.
Variant type: single nucleotide variant.
Coding change: c.404G>A on transcript NM_005055.5 (MANE Select); coding-DNA position 404, G replaced by A.
Protein change: p.Gly135Asp; replaces glycine 135 with aspartic acid.
Molecular consequence: missense variant.
Genome position (GRCh38, 1-based): chr11:47,447,939, C>T on the plus strand (G>A on the coding strand, the complement: RAPSN is on the minus strand). VCF-style: chr11-47447939-C-T. GRCh37 (hg19) VCF-style: chr11-47469491-C-T.
Other names: c.404G>A, p.Gly135Asp (NM_032645.5); short protein forms G135D.
Identifiers: ClinVar variation 2085318 (VCV002085318.4), dbSNP rs759579462, ClinGen allele CA5976751.